The following is an entry in ClinVar:

NM_001029883.3(PCARE):c.2402T>C (p.Leu801Ser)

Gene: PCARE (photoreceptor cilium actin regulator; minus strand). Cytogenetic location: 2p23.2.
Variant type: single nucleotide variant.
Coding change: c.2402T>C on transcript NM_001029883.3 (MANE Select); coding-DNA position 2402, T replaced by C.
Protein change: p.Leu801Ser; replaces leucine 801 with serine.
Molecular consequence: missense variant.
Genome position (GRCh38, 1-based): chr2:29,071,860, A>G on the plus strand (T>C on the coding strand, the complement: PCARE is on the minus strand). VCF-style: chr2-29071860-A-G. GRCh37 (hg19) VCF-style: chr2-29294726-A-G.
Other names: short protein forms L801S.
Identifiers: ClinVar variation 858352 (VCV000858352.10), dbSNP rs1667494172, ClinGen allele CA346477612.

ClinVar aggregate classification (germline): Uncertain significance (1 of 4 stars; one submission).

Submission:

Labcorp Genetics (formerly Invitae), Labcorp
Classification: Uncertain significance. Last evaluated: 2019-12-27. Review status: criteria provided, single submitter. Criteria: Invitae Variant Classification Sherloc (09022015). Collection method: clinical testing. Allele origin: germline.
Comment: In summary, the available evidence is currently insufficient to determine the role of this variant in disease. Therefore, it has been classified as a Variant of Uncertain Significance. Algorithms developed to predict the effect of missense changes on protein structure and function output the following: SIFT: "Tolerated"; PolyPhen-2: "Benign"; Align-GVGD: "Class C0". The serine amino acid residue is found in multiple mammalian species, suggesting that this missense change does not adversely affect protein function. These predictions have not been confirmed by published functional studies and their clinical significance is uncertain. This variant has not been reported in the literature in individuals with PCARE-related conditions. This variant is not present in population databases (ExAC no frequency). This sequence change replaces leucine with serine at codon 801 of the PCARE protein (p.Leu801Ser). The leucine residue is highly conserved and there is a large physicochemical difference between leucine and serine.